The following is an entry in ClinVar:

ClinVar aggregate classification (germline): Uncertain significance (1 of 4 stars; one submission).

Conditions:
Charcot-Marie-Tooth disease type 2R. Also called: Charcot-Marie-Tooth disease, axonal, type 2R; CHARCOT-MARIE-TOOTH DISEASE, AXONAL, AUTOSOMAL RECESSIVE, TYPE 2R; CHARCOT-MARIE-TOOTH NEUROPATHY, TYPE 2R. Identifiers: Orphanet 397968, MedGen C3809655, MONDO:0014208, OMIM 615490.

Submission:

Labcorp Genetics (formerly Invitae), Labcorp
Classification: Uncertain significance for Charcot-Marie-Tooth disease type 2R. Last evaluated: 2024-03-19. Review status: criteria provided, single submitter. Criteria: Invitae Variant Classification Sherloc (09022015). Collection method: clinical testing. Allele origin: germline.
Comment: This sequence change replaces arginine, which is basic and polar, with glycine, which is neutral and non-polar, at codon 611 of the TRIM2 protein (p.Arg611Gly). This variant is not present in population databases (gnomAD no frequency). This variant has not been reported in the literature in individuals affected with TRIM2-related conditions. An algorithm developed to predict the effect of missense changes on protein structure and function (PolyPhen-2) suggests that this variant is likely to be tolerated. In summary, the available evidence is currently insufficient to determine the role of this variant in disease. Therefore, it has been classified as a Variant of Uncertain Significance.

NM_015271.5(TRIM2):c.1912A>G (p.Arg638Gly)

Gene: TRIM2 (tripartite motif containing 2; plus strand). Cytogenetic location: 4q31.3.
Variant type: single nucleotide variant.
Coding change: c.1912A>G on transcript NM_015271.5 (MANE Select); coding-DNA position 1912, A replaced by G.
Protein change: p.Arg638Gly; replaces arginine 638 with glycine.
Molecular consequence: missense variant.
Genome position (GRCh38, 1-based): chr4:153,322,777, A>G. VCF-style: chr4-153322777-A-G. GRCh37 (hg19) VCF-style: chr4-154243929-A-G.
Other names: c.2002A>G, p.Arg668Gly (NM_001375489.1); c.1855A>G, p.Arg619Gly (NM_001375490.1); c.1852A>G, p.Arg618Gly (NM_001375491.1); c.1831A>G, p.Arg611Gly (NM_001375512.1, NM_001375513.1, NM_001375514.1 and 5 more transcripts); c.1579A>G, p.Arg527Gly (NM_001375519.1); c.1576A>G, p.Arg526Gly (NM_001375520.1); c.1573A>G, p.Arg525Gly (NM_001375522.1, NM_001375523.1, NM_001375525.1); c.1885A>G, p.Arg629Gly (NM_001351054.2); and 3 more; short protein forms R525G, R619G, R628G, R611G, R668G, R486G, R527G, R618G.
Identifiers: ClinVar variation 2999008 (VCV002999008.3), dbSNP rs2546663364, ClinGen allele CA358469550.
Genomic context (GRCh38, chr4:153,322,777, plus strand): 5'-GTTGTGGACAACAAGGCGTGCTGCGTGTTTATCTTCCAGCCAAACGGGAAAATAGTCACC[A>G]GGTTTGGTAGCCGAGGAAATGGGGACAGGCAGTTTGCAGGTACACTCGATGGTAATATGT-3'
Protein context (NP_056086.2, residues 628-648): IFQPNGKIVT[Arg638Gly]FGSRGNGDRQ